The following is an entry in ClinVar:

NM_032043.3(BRIP1):c.2822_2831del (p.Ile941fs)

Gene: BRIP1 (BRCA1 interacting DNA helicase 1; minus strand). Cytogenetic location: 17q23.2.
Variant type: Deletion.
Coding change: c.2822_2831del on transcript NM_032043.3 (MANE Select); coding-DNA positions 2822 to 2831, 10 bases deleted (TATGTGTCCA; older notation c.2822_2831delTATGTGTCCA).
Protein change: p.Ile941fs; shifts the reading frame from isoleucine 941.
Molecular consequence: frameshift variant.
Genome position (GRCh38, 1-based): chr17:61,685,910-61,685,919, TGGACACATA deleted on the plus strand (TATGTGTCCA on the coding strand, the reverse complement: BRIP1 is on the minus strand); deleting any 10 consecutive bases within chr17:61,685,910-61,685,920 gives the same sequence; the c. name uses the placement nearest the transcript's 3' end. VCF-style (leftmost placement, unchanged base first): chr17-61685909-CTGGACACATA-C. GRCh37 (hg19) VCF-style: chr17-59763270-CTGGACACATA-C.
Other names: c.2822_2831del10 (NM_032043.2); short protein forms I941fs.
Identifiers: ClinVar variation 4826451 (VCV004826451.1).

ClinVar aggregate classification (germline): Uncertain significance (1 of 4 stars; one submission).

Conditions:
Hereditary cancer-predisposing syndrome. Also called: Neoplastic Syndromes, Hereditary; Tumor predisposition; Hereditary Cancer Syndrome; Hereditary neoplastic syndrome. Identifiers: Orphanet 140162, MedGen C0027672, MeSH D009386, MONDO:0015356.

Submission:

Ambry Genetics
Classification: Uncertain significance for Hereditary cancer-predisposing syndrome. Last evaluated: 2026-02-27. Review status: criteria provided, single submitter. Criteria: Ambry Variant Classification Scheme 2023. Collection method: clinical testing. Allele origin: germline.
Comment: The c.2822_2831del10 variant, located in coding exon 18 of the BRIP1 gene, results from a deletion of 10 nucleotides at nucleotide positions 2822 to 2831, causing a translational frameshift with a predicted alternate stop codon (p.I941Rfs*41). This variant occurs at the 3' terminus of the gene, is not expected to trigger nonsense-mediated mRNAdecay, and impacts the last 25% of the protein. The exact functional effect of this variant is unknown. Based on the available evidence, the clinical significance of this variant remains unclear.